The following is an entry in ClinVar:

NM_001077365.2(POMT1):c.1204dup (p.His402fs)

Gene: POMT1 (protein O-mannosyltransferase 1; plus strand). Cytogenetic location: 9q34.13.
Variant type: Duplication.
Coding change: c.1204dup on transcript NM_001077365.2 (MANE Select); coding-DNA position 1204, one base duplicated (C; older notation c.1204dupC).
Protein change: p.His402fs; shifts the reading frame from histidine 402.
Molecular consequence: frameshift variant. On other transcripts: non-coding transcript variant (10).
Genome position (GRCh38, 1-based): chr9:131,515,454, C duplicated; the last of 5 consecutive C bases (chr9:131,515,450-131,515,454); duplicating any one gives the same sequence. VCF-style (leftmost placement, unchanged base first): chr9-131515449-G-GC. GRCh37 (hg19) VCF-style: chr9-134390836-G-GC.
Other names: c.1042dup, p.His348fs (NM_001077366.2, NM_001353194.2); c.1204dup, p.His402fs (NM_001136113.2, NM_001374690.1); c.853dup, p.His285fs (NM_001136114.2, NM_001353195.2, NM_001374691.1 and 2 more transcripts); c.1270dup, p.His424fs (NM_001353193.2, NM_007171.4); c.1114dup, p.His372fs (NM_001353196.2); c.1108dup, p.His370fs (NM_001353197.2, NM_001353198.2); c.919dup, p.His307fs (NM_001353199.2); c.748dup, p.His250fs (NM_001353200.2); and 2 more; short protein forms H250fs, H272fs, H285fs, H307fs, H348fs, H370fs, H372fs, H398fs.
Identifiers: ClinVar variation 1075349 (VCV001075349.7), dbSNP rs2131749139, ClinGen allele CA2499219682.

ClinVar aggregate classification (germline): Pathogenic (1 of 4 stars; one submission).

Conditions:
Walker-Warburg congenital muscular dystrophy. Also called: Muscular dystrophy-dystroglycanopathy, type A; Walker-Warburg syndrome. Identifiers: Orphanet 899, MedGen C0265221, MONDO:0000171.
Muscular dystrophy-dystroglycanopathy (congenital with impaired intellectual development), type B, 1. Also called: Muscular dystrophy-dystroglycanopathy (congenital with intellectual disability), type B1; MUSCULAR DYSTROPHY, CONGENITAL, POMT1-RELATED. Identifiers: MedGen C5436962, MONDO:0013159, OMIM 613155.
Autosomal recessive limb-girdle muscular dystrophy type 2K. Also called: MUSCULAR DYSTROPHY-DYSTROGLYCANOPATHY (LIMB-GIRDLE), TYPE C, 1; MUSCULAR DYSTROPHY, LIMB-GIRDLE, TYPE 2K. Identifiers: Orphanet 86812, MedGen C1836373, MONDO:0012248, OMIM 609308.

Submission:

Labcorp Genetics (formerly Invitae), Labcorp
Classification: Pathogenic for Muscular dystrophy-dystroglycanopathy (congenital with impaired intellectual development), type B, 1; Walker-Warburg congenital muscular dystrophy; Autosomal recessive limb-girdle muscular dystrophy type 2K. Last evaluated: 2020-08-03. Review status: criteria provided, single submitter. Criteria: Invitae Variant Classification Sherloc (09022015). Collection method: clinical testing. Allele origin: germline.
Comment: This sequence change creates a premature translational stop signal (p.His424Profs*10) in the POMT1 gene. It is expected to result in an absent or disrupted protein product. This variant is not present in population databases (ExAC no frequency). This variant has not been reported in the literature in individuals with POMT1-related conditions. Loss-of-function variants in POMT1 are known to be pathogenic (PMID: 12369018, 15637732, 16575835). For these reasons, this variant has been classified as Pathogenic.

Literature cited by the submitters: PubMed 12369018; PubMed 15637732; PubMed 16575835.